The following is an entry in ClinVar:

NC_012920.1(MT-TF):m.622G>A

Gene: MT-TF (mitochondrially encoded tRNA phenylalanine; plus strand).
Variant type: single nucleotide variant.
Genome position: chrM-622-G-A.
Other names: 622G-A.
Identifiers: ClinVar variation 9575 (VCV000009575.3), dbSNP rs118203887, ClinGen allele CA120551.

ClinVar aggregate classification (germline): Uncertain significance. Review status: reviewed by expert panel (3 of 4 stars). 3 submissions from 3 submitters: Uncertain significance (1). 2 of the submissions do not count toward it. Last evaluated 2024-06-24.

Conditions:
Mitochondrial disease. Also called: Mitochondrial disorder; Mitochondrial disorders. Identifiers: Orphanet 68380, MedGen C0751651, MeSH D028361, MONDO:0044970.
Myopathy, mitochondrial, late-onset. Identifiers: MedGen C4016623.

Submissions (3):

ClinGen Mitochondrial Disease Nuclear and Mitochondrial  Variant Curation Expert Panel, ClinGen
Classification: Uncertain significance for Mitochondrial disease. Last evaluated: 2024-06-24. Review status: reviewed by expert panel. Criteria: clingen mito disease acmg specifications v1-1. Collection method: curation. Allele origin: germline. Inheritance: Mitochondrial inheritance.
Comment: Muscle biopsy showed several atrophic fibers, COX-deficient fibers, subsarcolemmal mitochondrial accumulation, and enlarged mitochondria with paracrystalline inclusions. The variant was present at 88% heteroplasmy in muscle, 70% in hair, 66% in urine, 63% in buccal sample, and 36% in blood (PMID: 16769874). Her healthy daughter had the variant present at lower heteroplasmy levels however her daughter was younger than the proband was at symptom onset. This variant is present in population databases (absent in Mitomap's GenBank sequences; one heteroplasmic and one homoplasmic occurrence in gnomAD v3.1.2; eight heteroplasmic occurrences in the Helix dataset). Single fiber testing showed higher levels of the variant in COX-negative fibers (93%±1.0; N = 11) than in COX-positive fibers (82%±8.5; N = 14), p<0.001 (PS3_supporting, PMID: 16769874). Aminoacylation defects and tRNA structural changes were also reported (PMID: 17878308). The computational predictor MitoTIP suggests this variant is neutral (41.5 percentile) and HmtVAR predicts it to be deleterious with a score of 0.7. In summary, this variant meets criteria to be classified as uncertain significance for primary mitochondrial disease inherited in a mitochondrial manner. This classification was approved by the NICHD/NINDS U24 ClinGen Mitochondrial Disease Variant Curation Expert Panel on June 24, 2024. Mitochondrial DNA-specific ACMG/AMP criteria applied (PMID: 32906214): PS3_supporting.

Mendelics
Classification: Pathogenic for Mitochondrial disease. Last evaluated: 2022-05-04. Review status: criteria provided, single submitter. Criteria: Mendelics Assertion Criteria 2019. Collection method: clinical testing. Allele origin: germline. Not counted in ClinVar's aggregate classification.

OMIM
Classification: Pathogenic for MYOPATHY, MITOCHONDRIAL, LATE-ONSET. Last evaluated: 2006-06-01. Review status: no assertion criteria provided. Collection method: literature only. Allele origin: germline. Not counted in ClinVar's aggregate classification.

Literature cited by the submitters: PubMed 16769874 (cited by OMIM).